The following is an entry in ClinVar:

ClinVar aggregate classification (germline): Uncertain significance (1 of 4 stars; one submission).

Conditions:
Dilated cardiomyopathy 1W (CMD1W). Identifiers: Orphanet 154, MedGen C1969639, MONDO:0012667, OMIM 611407.

Submission:

Labcorp Genetics (formerly Invitae), Labcorp
Classification: Uncertain significance for Dilated cardiomyopathy 1W. Last evaluated: 2022-02-24. Review status: criteria provided, single submitter. Criteria: Invitae Variant Classification Sherloc (09022015). Collection method: clinical testing. Allele origin: germline.
Comment: In summary, the available evidence is currently insufficient to determine the role of this variant in disease. Therefore, it has been classified as a Variant of Uncertain Significance. Algorithms developed to predict the effect of missense changes on protein structure and function are either unavailable or do not agree on the potential impact of this missense change (SIFT: "Not Available"; PolyPhen-2: "Benign"; Align-GVGD: "Not Available"). ClinVar contains an entry for this variant (Variation ID: 408952). This variant has not been reported in the literature in individuals affected with VCL-related conditions. This variant is not present in population databases (gnomAD no frequency). This sequence change replaces leucine, which is neutral and non-polar, with proline, which is neutral and non-polar, at codon 572 of the VCL protein (p.Leu572Pro).

NM_014000.3(VCL):c.1715T>C (p.Leu572Pro)

Gene: VCL (vinculin; plus strand). Cytogenetic location: 10q22.2.
Variant type: single nucleotide variant.
Coding change: c.1715T>C on transcript NM_014000.3 (MANE Select); coding-DNA position 1715, T replaced by C.
Protein change: p.Leu572Pro; replaces leucine 572 with proline.
Molecular consequence: missense variant.
Genome position (GRCh38, 1-based): chr10:74,095,827, T>C. VCF-style: chr10-74095827-T-C. GRCh37 (hg19) VCF-style: chr10-75855585-T-C.
Other names: c.1715T>C, p.Leu572Pro (NM_003373.4); short protein forms L572P.
Identifiers: ClinVar variation 408952 (VCV000408952.8), dbSNP rs1060502197, ClinGen allele CA16612848.
Genomic context (GRCh38, chr10:74,095,827, plus strand): 5'-CAGCCCAGCTGGCTGACCTGGCTGCCAGAGGGGAAGGGGAGAGTCCTCAGGCACGAGCAC[T>C]TGCATCTCAGCTCCAAGACTCCTTAAAGGTAGAAGTCAGGAGCACATATCATTTTACTTT-3'
Protein context (NP_054706.1, residues 562-582): GEGESPQARA[Leu572Pro]ASQLQDSLKD